The following is an entry in ClinVar:

NM_000632.4(ITGAM):c.338G>A (p.Cys113Tyr)

Genes: ITGAM (integrin subunit alpha M; plus strand), LOC126862331 (P300/CBP strongly-dependent group 1 enhancer GRCh37_chr16:31276375-31277574; plus strand). Cytogenetic location: 16p11.2.
Variant type: single nucleotide variant.
Coding change: c.338G>A on transcript NM_000632.4 (MANE Select); coding-DNA position 338, G replaced by A.
Protein change: p.Cys113Tyr; replaces cysteine 113 with tyrosine.
Molecular consequence: missense variant.
Genome position (GRCh38, 1-based): chr16:31,266,058, G>A. VCF-style: chr16-31266058-G-A. GRCh37 (hg19) VCF-style: chr16-31277379-G-A.
Other names: c.338G>A, p.Cys113Tyr (NM_001145808.2); short protein forms C113Y.
Identifiers: ClinVar variation 2880025 (VCV002880025.3), dbSNP rs2079763289, ClinGen allele CA395684626.

ClinVar aggregate classification (germline): Uncertain significance (1 of 4 stars; one submission).

Allele frequency attached by ClinVar (database versions not stated): gnomAD exomes below 0.00001.

Submission:

Labcorp Genetics (formerly Invitae), Labcorp
Classification: Uncertain significance. Last evaluated: 2024-01-25. Review status: criteria provided, single submitter. Criteria: Invitae Variant Classification Sherloc (09022015). Collection method: clinical testing. Allele origin: germline.
Comment: This sequence change replaces cysteine, which is neutral and slightly polar, with tyrosine, which is neutral and polar, at codon 113 of the ITGAM protein (p.Cys113Tyr). This variant is not present in population databases (gnomAD no frequency). This variant has not been reported in the literature in individuals affected with ITGAM-related conditions. An algorithm developed to predict the effect of missense changes on protein structure and function (PolyPhen-2) suggests that this variant is likely to be disruptive. In summary, the available evidence is currently insufficient to determine the role of this variant in disease. Therefore, it has been classified as a Variant of Uncertain Significance.